The following is an entry in ClinVar:

NM_001277115.2(DNAH11):c.11870G>C (p.Gly3957Ala)

Gene: DNAH11 (dynein axonemal heavy chain 11; plus strand). Cytogenetic location: 7p15.3.
Variant type: single nucleotide variant.
Coding change: c.11870G>C on transcript NM_001277115.2 (MANE Select); coding-DNA position 11870, G replaced by C.
Protein change: p.Gly3957Ala; replaces glycine 3957 with alanine.
Molecular consequence: missense variant.
Genome position (GRCh38, 1-based): chr7:21,868,894, G>C. VCF-style: chr7-21868894-G-C. GRCh37 (hg19) VCF-style: chr7-21908512-G-C.
Other names: c.11870G>C (NM_001277115.1); c.11891G>C, p.Gly3964Ala (NM_003777.3); short protein forms G3957A, G3964A.
Identifiers: ClinVar variation 3013902 (VCV003013902.4), dbSNP rs1178242443, ClinGen allele CA366962709.
Genomic context (GRCh38, chr7:21,868,894, plus strand): 5'-TTCCTCTCACCGTGGTGTATTCTCCCACAGGCAAAAGACTTGGCTTTACAATTGACTCTG[G>C]AAAATTCCACAATGTGTCTTTAGGACAAGGTCAGGAGACGGTGGCAGAAGTGGCCCTGGA-3'
Protein context (NP_001264044.1, residues 3947-3967): GKRLGFTIDS[Gly3957Ala]KFHNVSLGQG

ClinVar aggregate classification (germline): Conflicting classifications of pathogenicity. Review status: criteria provided, conflicting classifications (1 of 4 stars). 2 submissions from 2 submitters: Uncertain significance (1); Likely benign (1). Last evaluated 2025-03-30.

Conditions:
Primary ciliary dyskinesia. Also called: Ciliary dyskinesia. Identifiers: Orphanet 244, MedGen C0008780, MONDO:0016575, HP:0012265.

Allele frequency attached by ClinVar (database versions not stated): gnomAD exomes below 0.00001.
gnomAD v4.1: 6 of 1,613,992 alleles (0.00037%); highest among the groups gnomAD compares: Non-Finnish European, 0.00042%; no homozygotes.

Submissions (2):

GeneDx
Classification: Uncertain significance. Last evaluated: 2025-03-30. Review status: criteria provided, single submitter. Criteria: GeneDx Variant Classification Process June 2021. Collection method: clinical testing. Allele origin: germline. Affected: yes.
Comment: Not observed at significant frequency in large population cohorts (gnomAD); In silico analysis supports that this missense variant has a deleterious effect on protein structure/function; Has not been previously published as pathogenic or benign to our knowledge

Labcorp Genetics (formerly Invitae), Labcorp
Classification: Likely benign for Primary ciliary dyskinesia. Last evaluated: 2023-03-17. Review status: criteria provided, single submitter. Criteria: Invitae Variant Classification Sherloc (09022015). Collection method: clinical testing. Allele origin: germline.